The following is an entry in ClinVar:

NM_001942.4(DSG1):c.3061C>T (p.His1021Tyr)

Genes: DSG1-AS1 (DSG1 antisense RNA 1; minus strand), DSG1 (desmoglein 1; plus strand). Cytogenetic location: 18q12.1.
Variant type: single nucleotide variant.
Coding change: c.3061C>T on transcript NM_001942.4 (MANE Select); coding-DNA position 3061, C replaced by T.
Protein change: p.His1021Tyr; replaces histidine 1021 with tyrosine.
Molecular consequence: missense variant.
Genome position (GRCh38, 1-based): chr18:31,355,257, C>T. VCF-style: chr18-31355257-C-T. GRCh37 (hg19) VCF-style: chr18-28935220-C-T.
Other names: short protein forms H1021Y.
Identifiers: ClinVar variation 1955514 (VCV001955514.5), dbSNP rs1274547825, ClinGen allele CA402125731.

ClinVar aggregate classification (germline): Uncertain significance (1 of 4 stars; one submission).

gnomAD v4.1: 7 of 1,612,376 alleles (0.00043%); highest among the groups gnomAD compares: Non-Finnish European, 0.00059%; no homozygotes.

Submission:

Labcorp Genetics (formerly Invitae), Labcorp
Classification: Uncertain significance. Last evaluated: 2022-10-04. Review status: criteria provided, single submitter. Criteria: Invitae Variant Classification Sherloc (09022015). Collection method: clinical testing. Allele origin: germline.
Comment: This variant is present in population databases (no rsID available, gnomAD 0.0009%). In summary, the available evidence is currently insufficient to determine the role of this variant in disease. Therefore, it has been classified as a Variant of Uncertain Significance. Algorithms developed to predict the effect of missense changes on protein structure and function (SIFT, PolyPhen-2, Align-GVGD) all suggest that this variant is likely to be tolerated. This variant has not been reported in the literature in individuals affected with DSG1-related conditions. This sequence change replaces histidine, which is basic and polar, with tyrosine, which is neutral and polar, at codon 1021 of the DSG1 protein (p.His1021Tyr).